The following is an entry in ClinVar:

ClinVar aggregate classification (germline): Uncertain significance. Review status: criteria provided, multiple submitters, no conflicts (2 of 4 stars). 3 submissions from 3 submitters: Uncertain significance (3). Last evaluated 2025-08-02.

Conditions:
Primary immunodeficiency with natural-killer cell deficiency and adrenal insufficiency (IMD54). Also called: Natural killer cell and glucocorticoid deficiency with DNA repair defect; IMMUNODEFICIENCY 54. Identifiers: Orphanet 75391, MedGen C1864947, MONDO:0012383, OMIM 609981.

Allele frequency attached by ClinVar (database versions not stated): gnomAD 0.00001; gnomAD exomes 0.00001 and 0.00004; ExAC 0.00004; TOPMed 0.00006.

Submissions (3):

Labcorp Genetics (formerly Invitae), Labcorp
Classification: Uncertain significance. Last evaluated: 2025-08-02. Review status: criteria provided, single submitter. Criteria: Invitae Variant Classification Sherloc (09022015). Collection method: clinical testing. Allele origin: germline.
Comment: This sequence change replaces arginine, which is basic and polar, with tryptophan, which is neutral and slightly polar, at codon 314 of the MCM4 protein (p.Arg314Trp). This variant is present in population databases (rs750729954, gnomAD 0.02%). This variant has not been reported in the literature in individuals affected with MCM4-related conditions. ClinVar contains an entry for this variant (Variation ID: 363226). Invitae Evidence Modeling of protein sequence and biophysical properties (such as structural, functional, and spatial information, amino acid conservation, physicochemical variation, residue mobility, and thermodynamic stability) indicates that this missense variant is not expected to disrupt MCM4 protein function with a negative predictive value of 80%. In summary, the available evidence is currently insufficient to determine the role of this variant in disease. Therefore, it has been classified as a Variant of Uncertain Significance.

Ambry Genetics
Classification: Uncertain significance. Last evaluated: 2023-12-09. Review status: criteria provided, single submitter. Criteria: Ambry Variant Classification Scheme 2023. Collection method: clinical testing. Allele origin: germline.

Illumina Laboratory Services, Illumina
Classification: Uncertain significance for Primary immunodeficiency with natural-killer cell deficiency and adrenal insufficiency. Last evaluated: 2018-01-13. Review status: criteria provided, single submitter. Criteria: ICSL Variant Classification Criteria 13 December 2019. Collection method: clinical testing. Allele origin: germline.

NM_182746.3(MCM4):c.940C>T (p.Arg314Trp)

Gene: MCM4 (minichromosome maintenance complex component 4; plus strand). Cytogenetic location: 8q11.21.
Variant type: single nucleotide variant.
Coding change: c.940C>T on transcript NM_182746.3 (MANE Select); coding-DNA position 940, C replaced by T.
Protein change: p.Arg314Trp; replaces arginine 314 with tryptophan.
Molecular consequence: missense variant.
Genome position (GRCh38, 1-based): chr8:47,966,294, C>T. VCF-style: chr8-47966294-C-T. GRCh37 (hg19) VCF-style: chr8-48878854-C-T.
Other names: c.940C>T, p.Arg314Trp (LRG_1239t1, NM_005914.4); short protein forms R314W.
Identifiers: ClinVar variation 363226 (VCV000363226.13), dbSNP rs750729954, ClinGen allele CA4742466.